The following is an entry in ClinVar:

NM_002292.4(LAMB2):c.467G>A (p.Arg156His)

Gene: LAMB2 (laminin subunit beta 2; minus strand). Cytogenetic location: 3p21.31.
Variant type: single nucleotide variant.
Coding change: c.467G>A on transcript NM_002292.4 (MANE Select); coding-DNA position 467, G replaced by A.
Protein change: p.Arg156His; replaces arginine 156 with histidine.
Molecular consequence: missense variant.
Genome position (GRCh38, 1-based): chr3:49,131,716, C>T on the plus strand (G>A on the coding strand, the complement: LAMB2 is on the minus strand). VCF-style: chr3-49131716-C-T. GRCh37 (hg19) VCF-style: chr3-49169149-C-T.
Other names: p.Arg156His; short protein forms R156H.
Identifiers: ClinVar variation 472487 (VCV000472487.8), dbSNP rs1378409559, ClinGen allele CA352751228.
Genomic context (GRCh38, chr3:49,131,716, plus strand): 5'-CGGTACACATGCCAGGTGCGGCCAAAGTCTGCTGAGCGTTCCACCAGCATGGCAGCAGGG[C>T]GAAATGTCTGGGTAGGGGGGCATAGCTGATCAGCAGGCACCAGGACCCAAGCCCAACCCA-3'
Protein context (NP_002283.3, residues 146-166): THLIMTFKTF[Arg156His]PAAMLVERSA

ClinVar aggregate classification (germline): Conflicting classifications of pathogenicity. Review status: criteria provided, conflicting classifications (1 of 4 stars). 3 submissions from 3 submitters: Likely pathogenic (1); Uncertain significance (1). 1 of the submissions does not count toward it. Last evaluated 2024-05-10.

Conditions:
Pierson syndrome. Also called: MICROCORIA-CONGENITAL NEPHROTIC SYNDROME. Identifiers: Orphanet 2670, MedGen C1836876, MONDO:0012184, OMIM 609049.
LAMB2-related infantile-onset nephrotic syndrome. Also called: NEPHROTIC SYNDROME, TYPE 5, WITHOUT OCULAR ABNORMALITIES; NEPHROTIC SYNDROME, TYPE 5, WITH OCULAR ABNORMALITIES; Nephrotic Syndrome, type 5. Identifiers: Orphanet 306507, MedGen C3280113, MONDO:0013621, OMIM 614199.

Allele frequency attached by ClinVar (database versions not stated): TOPMed below 0.00001; gnomAD 0.00001.

Submissions (3):

Foundation for Research in Genetics and Endocrinology, FRIGE's Institute of Human Genetics
Classification: Likely pathogenic for Pierson syndrome. Last evaluated: 2024-05-10. Review status: criteria provided, single submitter. Criteria: ACMG Guidelines, 2015. Collection method: clinical testing. Allele origin: germline. Inheritance: Autosomal recessive inheritance. Affected: yes. Observed: 1 homozygote.
Comment: A Homozygous missense variation in exon 5 of the LAMB2 gene that results in the amino acid substitution of Histidine for Arginine at codon 156 was detected. The observed variant c.467G>A (p.Arg156His) has not been reported in the 1000 genomes and gnomAD databases and has a minor allelic frequency of 0.0004% in TOPMed database. The in silico prediction of the variant are damaging by LRT, DANN, PROVEAN and SIFT. The reference codon is conserved across species. In summary, the variant meets our criteria to be classified as likely pathogenic.

Labcorp Genetics (formerly Invitae), Labcorp
Classification: Uncertain significance for LAMB2-related infantile-onset nephrotic syndrome; Pierson syndrome. Last evaluated: 2022-09-06. Review status: criteria provided, single submitter. Criteria: Invitae Variant Classification Sherloc (09022015). Collection method: clinical testing. Allele origin: germline.
Comment: In summary, the available evidence is currently insufficient to determine the role of this variant in disease. Therefore, it has been classified as a Variant of Uncertain Significance. Algorithms developed to predict the effect of missense changes on protein structure and function (SIFT, PolyPhen-2, Align-GVGD) all suggest that this variant is likely to be disruptive. ClinVar contains an entry for this variant (Variation ID: 472487). This variant has not been reported in the literature in individuals affected with LAMB2-related conditions. This variant is not present in population databases (gnomAD no frequency). This sequence change replaces arginine, which is basic and polar, with histidine, which is basic and polar, at codon 156 of the LAMB2 protein (p.Arg156His).

Genetics laboratory, Institute of Kidney Diseases & Research Centre Dr. H.L. Trivedi Institute Of Transplantation Sciences
Classification: Likely pathogenic for Pierson syndrome. Last evaluated: 2024-05-11. Review status: no assertion criteria provided. Collection method: clinical testing. Allele origin: germline. Inheritance: Autosomal recessive inheritance. Affected: yes. Observed: 1 variant allele, 1 homozygote. Not counted in ClinVar's aggregate classification.